The following is an entry in ClinVar:

NM_182931.3(KMT2E):c.3722C>T (p.Thr1241Ile)

Gene: KMT2E (lysine methyltransferase 2E (inactive); plus strand). Cytogenetic location: 7q22.3.
Variant type: single nucleotide variant.
Coding change: c.3722C>T on transcript NM_182931.3 (MANE Select); coding-DNA position 3722, C replaced by T.
Protein change: p.Thr1241Ile; replaces threonine 1241 with isoleucine.
Molecular consequence: missense variant.
Genome position (GRCh38, 1-based): chr7:105,109,195, C>T. VCF-style: chr7-105109195-C-T. GRCh37 (hg19) VCF-style: chr7-104749642-C-T.
Other names: c.3722C>T, p.Thr1241Ile (NM_001410908.1, NM_018682.4); short protein forms T1241I.
Identifiers: ClinVar variation 3665739 (VCV003665739.2).

ClinVar aggregate classification (germline): Uncertain significance (1 of 4 stars; one submission).

gnomAD v4.1: 1 of 1,614,012 alleles (0.000062%); highest among the groups gnomAD compares: Non-Finnish European, 0.000085%; no homozygotes.

Submission:

Labcorp Genetics (formerly Invitae), Labcorp
Classification: Uncertain significance. Last evaluated: 2024-10-13. Review status: criteria provided, single submitter. Criteria: Invitae Variant Classification Sherloc (09022015). Collection method: clinical testing. Allele origin: germline.
Comment: This sequence change replaces threonine, which is neutral and polar, with isoleucine, which is neutral and non-polar, at codon 1241 of the KMT2E protein (p.Thr1241Ile). This variant is not present in population databases (gnomAD no frequency). This variant has not been reported in the literature in individuals affected with KMT2E-related conditions. Invitae Evidence Modeling of protein sequence and biophysical properties (such as structural, functional, and spatial information, amino acid conservation, physicochemical variation, residue mobility, and thermodynamic stability) indicates that this missense variant is not expected to disrupt KMT2E protein function with a negative predictive value of 80%. In summary, the available evidence is currently insufficient to determine the role of this variant in disease. Therefore, it has been classified as a Variant of Uncertain Significance.